The following is an entry in ClinVar:

ClinVar aggregate classification (germline): Uncertain significance (1 of 4 stars; one submission).

Submission:

Labcorp Genetics (formerly Invitae), Labcorp
Classification: Uncertain significance. Last evaluated: 2021-06-18. Review status: criteria provided, single submitter. Criteria: Invitae Variant Classification Sherloc (09022015). Collection method: clinical testing. Allele origin: germline.
Comment: This variant is not present in population databases (ExAC no frequency). This sequence change replaces serine with threonine at codon 1051 of the POLE protein (p.Ser1051Thr). The serine residue is highly conserved and there is a small physicochemical difference between serine and threonine. This variant has not been reported in the literature in individuals with POLE-related conditions. Algorithms developed to predict the effect of missense changes on protein structure and function (SIFT, PolyPhen-2, Align-GVGD) all suggest that this variant is likely to be disruptive, but these predictions have not been confirmed by published functional studies and their clinical significance is uncertain. In summary, the available evidence is currently insufficient to determine the role of this variant in disease. Therefore, it has been classified as a Variant of Uncertain Significance.

NM_006231.4(POLE):c.3151T>A (p.Ser1051Thr)

Gene: POLE (DNA polymerase epsilon, catalytic subunit; minus strand). Cytogenetic location: 12q24.33.
Variant type: single nucleotide variant.
Coding change: c.3151T>A on transcript NM_006231.4 (MANE Select); coding-DNA position 3151, T replaced by A.
Protein change: p.Ser1051Thr; replaces serine 1051 with threonine.
Molecular consequence: missense variant.
Genome position (GRCh38, 1-based): chr12:132,659,419, A>T on the plus strand (T>A on the coding strand, the complement: POLE is on the minus strand). VCF-style: chr12-132659419-A-T. GRCh37 (hg19) VCF-style: chr12-133236005-A-T.
Other names: short protein forms S1051T.
Identifiers: ClinVar variation 1469282 (VCV001469282.8), dbSNP rs1064796258, ClinGen allele CA387390937.
Genomic context (GRCh38, chr12:132,659,419, plus strand): 5'-CCTTGACCATCTGGTCTCCCAGGAACTCGGCCAGGCGCTTTGCTGTGCTGATGGACGTAG[A>T]CTTCTGCTCCCCGTAATCTTCCAGCTTCCGAGACATGGAACGGTTCTCAGAGATGAGCTC-3'
Protein context (NP_006222.2, residues 1041-1061): RKLEDYGEQK[Ser1051Thr]TSISTAKRLA